The following is an entry in ClinVar:

ClinVar aggregate classification (germline): Likely benign (1 of 4 stars; one submission).

gnomAD v4.1: 4,528 of 1,613,792 alleles (0.28%); highest among the groups gnomAD compares: Non-Finnish European, 0.36%; 10 homozygotes.

Submission:

CeGaT Center for Human Genetics Tuebingen
Classification: Likely benign. Last evaluated: 2025-12-01. Review status: criteria provided, single submitter. Criteria: CeGaT Center For Human Genetics Tuebingen Variant Classification Criteria Version 2. Collection method: clinical testing. Allele origin: germline. Affected: yes. Observed: 1 variant allele.
Comment: NEIL3: BP4

NM_018248.3(NEIL3):c.944G>A (p.Arg315Gln)

Genes: NEIL3 (nei like DNA glycosylase 3; plus strand), NEIL3-AS1 (NEIL3 antisense RNA 1; minus strand). Cytogenetic location: 4q34.3.
Variant type: single nucleotide variant.
Coding change: c.944G>A on transcript NM_018248.3 (MANE Select); coding-DNA position 944, G replaced by A.
Protein change: p.Arg315Gln; replaces arginine 315 with glutamine.
Molecular consequence: missense variant.
Genome position (GRCh38, 1-based): chr4:177,351,454, G>A. VCF-style: chr4-177351454-G-A. GRCh37 (hg19) VCF-style: chr4-178272608-G-A.
Other names: short protein forms R315Q.
Identifiers: ClinVar variation 4681291 (VCV004681291.5).